The following is an entry in ClinVar:

ClinVar aggregate classification (germline): Uncertain significance (1 of 4 stars; one submission).

Submission:

GeneDx
Classification: Uncertain significance. Last evaluated: 2024-05-13. Review status: criteria provided, single submitter. Criteria: GeneDx Variant Classification Process June 2021. Collection method: clinical testing. Allele origin: germline. Affected: yes.
Comment: Not observed at significant frequency in large population cohorts (gnomAD); In silico analysis indicates that this missense variant does not alter protein structure/function; Has not been previously published as pathogenic or benign to our knowledge

NM_001378418.1(TCF20):c.2173C>T (p.Pro725Ser)

Gene: TCF20 (transcription factor 20; minus strand). Cytogenetic location: 22q13.2.
Variant type: single nucleotide variant.
Coding change: c.2173C>T on transcript NM_001378418.1 (MANE Select); coding-DNA position 2173, C replaced by T.
Protein change: p.Pro725Ser; replaces proline 725 with serine.
Molecular consequence: missense variant.
Genome position (GRCh38, 1-based): chr22:42,213,133, G>A on the plus strand (C>T on the coding strand, the complement: TCF20 is on the minus strand). VCF-style: chr22-42213133-G-A. GRCh37 (hg19) VCF-style: chr22-42609139-G-A.
Other names: c.2173C>T, p.Pro725Ser (NM_005650.4, NM_181492.3); short protein forms P725S.
Identifiers: ClinVar variation 3378226 (VCV003378226.1).
Genomic context (GRCh38, chr22:42,213,133, plus strand): 5'-TACCCTTTCGTTCCCCATGGCCAGTGAAATCTCCCTTTTCTTGCCCTGTAGGATACTGAG[G>A]AAAGCCACTGACATTTCGTGGCACGGCTGACCCGAAACTATCTTTGTAACTATAGCGCAG-3'
Protein context (NP_001365347.1, residues 715-735): SAVPRNVSGF[Pro725Ser]QYPTGQEKGD